The following is an entry in ClinVar:

ClinVar aggregate classification (germline): Conflicting classifications of pathogenicity. Review status: criteria provided, conflicting classifications (1 of 4 stars). 4 submissions from 4 submitters: Uncertain significance (1); Benign (1); Likely benign (2). Last evaluated 2026-05-01.

Conditions:
Inborn genetic diseases. Identifiers: MedGen C0950123, MeSH D030342.

Allele frequency attached by ClinVar (database versions not stated): gnomAD 0.00001 and 0.00016; TOPMed 0.00007; gnomAD exomes 0.00064 and 0.00031; ExAC 0.00070; 1000 Genomes Project 30x 0.00109; 1000 Genomes Project 0.00140.
gnomAD v4.1: 492 of 1,613,152 alleles (0.03%); highest among the groups gnomAD compares: South Asian, 0.47%; 5 homozygotes.

Submissions (5):

CeGaT Center for Human Genetics Tuebingen
Classification: Likely benign. Last evaluated: 2026-05-01. Review status: criteria provided, single submitter. Criteria: CeGaT Center For Human Genetics Tuebingen Variant Classification Criteria Version 2. Collection method: clinical testing. Allele origin: germline. Affected: yes. Observed: 1 variant allele.
Comment: FN1: PP2, BP4, BS1

Labcorp Genetics (formerly Invitae), Labcorp
Classification: Benign. Last evaluated: 2025-12-15. Review status: criteria provided, single submitter. Criteria: Invitae Variant Classification Sherloc (09022015). Collection method: clinical testing. Allele origin: germline.

Blueprint Genetics
Classification: Likely benign. Last evaluated: 2024-10-28. Review status: criteria provided, single submitter. Criteria: ACMG Guidelines, 2015. Collection method: clinical testing. Allele origin: germline.

Ambry Genetics
Classification: Uncertain significance for Inborn genetic diseases. Last evaluated: 2023-03-14. Review status: criteria provided, single submitter. Criteria: Ambry Variant Classification Scheme 2023. Collection method: clinical testing. Allele origin: germline.

Dr. Peter K. Rogan Lab, Western University
No classification provided (evidence only). Condition: Ovarian serous cystadenocarcinoma. Review status: no classification provided. Collection method: in vitro. Allele origin: not applicable. Functional consequence: retained intron. Not counted in ClinVar's aggregate classification.

NM_212482.4(FN1):c.3532A>G (p.Thr1178Ala)

Gene: FN1 (fibronectin 1; minus strand). Cytogenetic location: 2q35.
Variant type: single nucleotide variant.
Coding change: c.3532A>G on transcript NM_212482.4 (MANE Select); coding-DNA position 3532, A replaced by G.
Protein change: p.Thr1178Ala; replaces threonine 1178 with alanine.
Molecular consequence: missense variant.
Genome position (GRCh38, 1-based): chr2:215,397,209, T>C on the plus strand (A>G on the coding strand, the complement: FN1 is on the minus strand). VCF-style: chr2-215397209-T-C. GRCh37 (hg19) VCF-style: chr2-216261932-T-C.
Other names: c.3532A>G, p.Thr1178Ala (NM_001306129.2, NM_001306130.2, NM_001306131.2 and 13 more transcripts); c.3532A>G (NM_212482.1); short protein forms T1178A.
Identifiers: ClinVar variation 1600873 (VCV001600873.13), dbSNP rs543350920, ClinGen allele CA2094682.
Genomic context (GRCh38, chr2:215,397,209, plus strand): 5'-TCCTCTCCCAGGAGACTGTGAGCACTCCAGTGTCAGGGTTTGCCTCCAGATGCAAGTTTG[T>C]TGGTGGAGACAATGCTATGCAGAAAGAACATTTTAAAAGTCAAAGCTGACACAAAGCTCT-3'
Protein context (NP_997647.2, residues 1168-1188): NKVVTPLSPP[Thr1178Ala]NLHLEANPDT